The following is an entry in ClinVar:

NM_006516.4(SLC2A1):c.77T>C (p.Phe26Ser)

Gene: SLC2A1 (solute carrier family 2 member 1; minus strand). Cytogenetic location: 1p34.2.
Variant type: single nucleotide variant.
Coding change: c.77T>C on transcript NM_006516.4 (MANE Select); coding-DNA position 77, T replaced by C.
Protein change: p.Phe26Ser; replaces phenylalanine 26 with serine.
Molecular consequence: missense variant.
Genome position (GRCh38, 1-based): chr1:42,943,263, A>G on the plus strand (T>C on the coding strand, the complement: SLC2A1 is on the minus strand). VCF-style: chr1-42943263-A-G. GRCh37 (hg19) VCF-style: chr1-43408934-A-G.
Other names: short protein forms F26S.
Identifiers: ClinVar variation 1721163 (VCV001721163.6), dbSNP rs2525034903, ClinGen allele CA339964804.

ClinVar aggregate classification (germline): Uncertain significance (1 of 4 stars; one submission).

Conditions:
GLUT1 deficiency syndrome 1, autosomal recessive. Identifiers: MedGen C3149117.

Submission:

Labcorp Genetics (formerly Invitae), Labcorp
Classification: Uncertain significance for GLUT1 deficiency syndrome 1, autosomal recessive. Last evaluated: 2022-10-07. Review status: criteria provided, single submitter. Criteria: Invitae Variant Classification Sherloc (09022015). Collection method: clinical testing. Allele origin: germline.
Comment: In summary, the available evidence is currently insufficient to determine the role of this variant in disease. Therefore, it has been classified as a Variant of Uncertain Significance. Advanced modeling of protein sequence and biophysical properties (such as structural, functional, and spatial information, amino acid conservation, physicochemical variation, residue mobility, and thermodynamic stability) performed at Invitae indicates that this missense variant is expected to disrupt SLC2A1 protein function. This variant has not been reported in the literature in individuals affected with SLC2A1-related conditions. This variant is not present in population databases (gnomAD no frequency). This sequence change replaces phenylalanine, which is neutral and non-polar, with serine, which is neutral and polar, at codon 26 of the SLC2A1 protein (p.Phe26Ser).